The following is an entry in ClinVar:

NM_000057.4(BLM):c.3425C>T (p.Ala1142Val)

Gene: BLM (BLM RecQ like helicase; plus strand). Cytogenetic location: 15q26.1.
Variant type: single nucleotide variant.
Coding change: c.3425C>T on transcript NM_000057.4 (MANE Select); coding-DNA position 3425, C replaced by T.
Protein change: p.Ala1142Val; replaces alanine 1142 with valine.
Molecular consequence: missense variant. On other transcripts: intron variant (1).
Genome position (GRCh38, 1-based): chr15:90,803,587, C>T. VCF-style: chr15-90803587-C-T. GRCh37 (hg19) VCF-style: chr15-91346817-C-T.
Other names: c.3425C>T, p.Ala1142Val (NM_001287246.2); c.2300C>T, p.Ala767Val (NM_001287248.2); c.3358+5250C>T (NM_001287247.2); short protein forms A767V, A1142V.
Identifiers: ClinVar variation 1731303 (VCV001731303.3), dbSNP rs2151194244, ClinGen allele CA393847566.

ClinVar aggregate classification (germline): Uncertain significance (1 of 4 stars; one submission).

Conditions:
Hereditary cancer-predisposing syndrome. Also called: Neoplastic Syndromes, Hereditary; Tumor predisposition; Hereditary Cancer Syndrome; Hereditary neoplastic syndrome. Identifiers: Orphanet 140162, MedGen C0027672, MeSH D009386, MONDO:0015356.

Submission:

Ambry Genetics
Classification: Uncertain significance for Hereditary cancer-predisposing syndrome. Last evaluated: 2025-02-02. Review status: criteria provided, single submitter. Criteria: Ambry Variant Classification Scheme 2023. Collection method: clinical testing. Allele origin: germline.
Comment: The p.A1142V variant (also known as c.3425C>T), located in coding exon 17 of the BLM gene, results from a C to T substitution at nucleotide position 3425. The alanine at codon 1142 is replaced by valine, an amino acid with similar properties. This amino acid position is conserved. In addition, this alteration is predicted to be tolerated by in silico analysis. Since supporting evidence is limited at this time, the clinical significance of this alteration remains unclear.